The following is an entry in ClinVar:

NM_014795.4(ZEB2):c.2672C>T (p.Ala891Val)

Gene: ZEB2 (zinc finger E-box binding homeobox 2; minus strand). Cytogenetic location: 2q22.3.
Variant type: single nucleotide variant.
Coding change: c.2672C>T on transcript NM_014795.4 (MANE Select); coding-DNA position 2672, C replaced by T.
Protein change: p.Ala891Val; replaces alanine 891 with valine.
Molecular consequence: missense variant.
Genome position (GRCh38, 1-based): chr2:144,398,515, G>A on the plus strand (C>T on the coding strand, the complement: ZEB2 is on the minus strand). VCF-style: chr2-144398515-G-A. GRCh37 (hg19) VCF-style: chr2-145156082-G-A.
Other names: c.2600C>T, p.Ala867Val (NM_001171653.2); short protein forms A867V, A891V.
Identifiers: ClinVar variation 3701381 (VCV003701381.2).
Genomic context (GRCh38, chr2:144,398,515, plus strand): 5'-GGCATGAAAGTAGCAGGGGGAAATGCGCTTTGAGGTGGAAGAGCTGTGTATAAAGGTTTG[G>A]CACTAAATGGGTTCATGCTGAACACTGGGTTAGTGCTTTTGTTGTCCAGATTATTTGAAT-3'
Protein context (NP_055610.1, residues 881-901): NPVFSMNPFS[Ala891Val]KPLYTALPPQ

ClinVar aggregate classification (germline): Uncertain significance (1 of 4 stars; one submission).

Conditions:
Mowat-Wilson syndrome (MOWS). Also called: Classic Mowat-Wilson Syndrome. Identifiers: Orphanet 2152, MedGen C1856113, MONDO:0009341, OMIM 235730.

gnomAD v4.1: 5 of 1,613,948 alleles (0.00031%); highest among the groups gnomAD compares: African/African-American, 0.0067%; no homozygotes.

Submission:

Labcorp Genetics (formerly Invitae), Labcorp
Classification: Uncertain significance for Mowat-Wilson syndrome. Last evaluated: 2024-08-30. Review status: criteria provided, single submitter. Criteria: Invitae Variant Classification Sherloc (09022015). Collection method: clinical testing. Allele origin: germline.
Comment: This sequence change replaces alanine, which is neutral and non-polar, with valine, which is neutral and non-polar, at codon 891 of the ZEB2 protein (p.Ala891Val). This variant is present in population databases (no rsID available, gnomAD 0.008%). This variant has not been reported in the literature in individuals affected with ZEB2-related conditions. Invitae Evidence Modeling of protein sequence and biophysical properties (such as structural, functional, and spatial information, amino acid conservation, physicochemical variation, residue mobility, and thermodynamic stability) has been performed for this missense variant. However, the output from this modeling did not meet the statistical confidence thresholds required to predict the impact of this variant on ZEB2 protein function. In summary, the available evidence is currently insufficient to determine the role of this variant in disease. Therefore, it has been classified as a Variant of Uncertain Significance.